The following is an entry in ClinVar:

NM_021728.4(OTX2):c.335G>C (p.Gly112Ala)

Gene: OTX2 (orthodenticle homeobox 2; minus strand). Cytogenetic location: 14q22.3.
Variant type: single nucleotide variant.
Coding change: c.335G>C on transcript NM_021728.4 (MANE Select); coding-DNA position 335, G replaced by C.
Protein change: p.Gly112Ala; replaces glycine 112 with alanine.
Molecular consequence: missense variant. On other transcripts: non-coding transcript variant (2).
Genome position (GRCh38, 1-based): chr14:56,802,294, C>G on the plus strand (G>C on the coding strand, the complement: OTX2 is on the minus strand). VCF-style: chr14-56802294-C-G. GRCh37 (hg19) VCF-style: chr14-57269012-C-G.
Other names: c.311G>C, p.Gly104Ala (NM_001270523.2, NM_001270524.2, NM_172337.3); c.335G>C, p.Gly112Ala (NM_001270525.2); short protein forms G104A, G112A.
Identifiers: ClinVar variation 4847093 (VCV004847093.1).
Genomic context (GRCh38, chr14:56,802,294, plus strand): 5'-TCTGAACTCACTTCCCGAGCTGGAGATGTCTTCTTTTTGGCAGGTCTCACTTTGTTTTGA[C>G]CTCCATTCTGCTGTTGTTGCTGTTGTTGGCGGCACTTAGCTCTTCGATTCTTAAACCATA-3'
Protein context (NP_068374.1, residues 102-122): RQQQQQQQNG[Gly112Ala]QNKVRPAKKK

ClinVar aggregate classification (germline): Uncertain significance (1 of 4 stars; one submission).

Submission:

Women's Health and Genetics/Laboratory Corporation of America, LabCorp
Classification: Uncertain significance. Last evaluated: 2026-03-18. Review status: criteria provided, single submitter. Criteria: LabCorp Variant Classification Summary - May 2015. Collection method: clinical testing. Allele origin: germline.
Comment: Variant summary: OTX2 c.311G>C (p.Gly104Ala) results in a non-conservative amino acid change in the encoded protein sequence. Algorithms developed to predict the effect of missense changes on protein structure and function are either unavailable or do not agree on the potential impact of this missense change. The variant was absent in 251480 control chromosomes. The available data on variant occurrences in the general population are insufficient to allow any conclusion about variant significance. To our knowledge, no occurrence of c.311G>C in individuals affected with OTX2-related conditions and no experimental evidence demonstrating its impact on protein function have been reported. No submitters have cited clinical-significance assessments for this variant to ClinVar. Based on the evidence outlined above, the variant was classified as uncertain significance.